The following is an entry in ClinVar:

ClinVar aggregate classification (germline): Pathogenic (1 of 4 stars; one submission).

Conditions:
Hypokalemic periodic paralysis, type 1. Also called: HypoPP; Hypokalemic Periodic Paralysis Type 1 (AD). Identifiers: Orphanet 681, MedGen C3714580, MONDO:0042979, OMIM 170400.

Submission:

Variantyx, Inc.
Classification: Pathogenic for Hypokalemic periodic paralysis, type 1. Last evaluated: 2025-07-30. Review status: criteria provided, single submitter. Criteria: Variantyx Assertion Criteria 2022. Collection method: clinical testing. Allele origin: de novo. Inheritance: Autosomal recessive inheritance. Affected: no.
Comment: This is a nonsynonymous variant in the CACNA1S gene (OMIM: 114208). Pathogenic variants in this gene have been associated with autosomal dominant hypokalemic periodic paralysis type 1. Multiple computational algorithms predict a deleterious effect for this variant (REVEL score: 0.972) (PP3_Moderate). This variant is absent from control populations (PM2_Supporting). Based on the current evidence, this variant is classified as likely pathogenic for autosomal dominant hypokalemic periodic paralysis type 1.

NM_000069.3(CACNA1S):c.2624T>A (p.Val875Glu)

Gene: CACNA1S (calcium voltage-gated channel subunit alpha1 S; minus strand). Cytogenetic location: 1q32.1.
Variant type: single nucleotide variant.
Coding change: c.2624T>A on transcript NM_000069.3 (MANE Select); coding-DNA position 2624, T replaced by A.
Protein change: p.Val875Glu; replaces valine 875 with glutamic acid.
Molecular consequence: missense variant.
Genome position (GRCh38, 1-based): chr1:201,066,920, A>T on the plus strand (T>A on the coding strand, the complement: CACNA1S is on the minus strand). VCF-style: chr1-201066920-A-T. GRCh37 (hg19) VCF-style: chr1-201036048-A-T.
Other names: short protein forms V875E.
Identifiers: ClinVar variation 4852200 (VCV004852200.1).